The following is an entry in ClinVar:

ClinVar aggregate classification (germline): Conflicting classifications of pathogenicity. Review status: criteria provided, conflicting classifications (1 of 4 stars). 2 submissions from 2 submitters: Uncertain significance (1); Benign (1). Last evaluated 2024-08-03.

Conditions:
Ovarian cancer. Also called: OVARIAN CANCER, SOMATIC. Identifiers: Orphanet 213500, MedGen C1140680, MONDO:0008170, OMIM 167000.
Werner syndrome (WRN). Identifiers: Orphanet 902, MedGen C0043119, MONDO:0010196, OMIM 277700.

Allele frequency attached by ClinVar (database versions not stated): gnomAD exomes below 0.00001 and 0.00001; TOPMed below 0.00001; gnomAD 0.00001.
gnomAD v4.1: 4 of 1,613,208 alleles (0.00025%); highest among the groups gnomAD compares: East Asian, 0.0089%; no homozygotes.

Submissions (2):

Labcorp Genetics (formerly Invitae), Labcorp
Classification: Uncertain significance for Werner syndrome. Last evaluated: 2024-08-03. Review status: criteria provided, single submitter. Criteria: Invitae Variant Classification Sherloc (09022015). Collection method: clinical testing. Allele origin: germline.
Comment: This sequence change replaces aspartic acid, which is acidic and polar, with asparagine, which is neutral and polar, at codon 1368 of the WRN protein (p.Asp1368Asn). This variant is present in population databases (no rsID available, gnomAD 0.006%). This variant has not been reported in the literature in individuals affected with WRN-related conditions. ClinVar contains an entry for this variant (Variation ID: 959617). An algorithm developed to predict the effect of missense changes on protein structure and function (PolyPhen-2) suggests that this variant is likely to be disruptive. In summary, the available evidence is currently insufficient to determine the role of this variant in disease. Therefore, it has been classified as a Variant of Uncertain Significance.

Laboratory of Molecular Epidemiology of Birth Defects, West China Second University Hospital, Sichuan University
Classification: Benign for Ovarian cancer. Last evaluated: 2022-01-01. Review status: criteria provided, single submitter. Criteria: ACMG Guidelines, 2015. Collection method: clinical testing. Allele origin: germline. Affected: yes.

NM_000553.6(WRN):c.4102G>A (p.Asp1368Asn)

Gene: WRN (WRN RecQ like helicase; plus strand). Cytogenetic location: 8p12.
Variant type: single nucleotide variant.
Coding change: c.4102G>A on transcript NM_000553.6 (MANE Select); coding-DNA position 4102, G replaced by A.
Protein change: p.Asp1368Asn; replaces aspartic acid 1368 with asparagine.
Molecular consequence: missense variant.
Genome position (GRCh38, 1-based): chr8:31,167,141, G>A. VCF-style: chr8-31167141-G-A. GRCh37 (hg19) VCF-style: chr8-31024657-G-A.
Other names: short protein forms D1368N.
Identifiers: ClinVar variation 959617 (VCV000959617.8), dbSNP rs1163698357, ClinGen allele CA370909521.